The following is an entry in ClinVar:

ClinVar aggregate classification (germline): Benign/Likely benign. Review status: criteria provided, multiple submitters, no conflicts (2 of 4 stars). 3 submissions from 3 submitters: Benign (2); Likely benign (1). Last evaluated 2026-01-16.

Conditions:
X-linked severe combined immunodeficiency (SCIDX1). Also called: IMMUNODEFICIENCY 4; SCID, X-LINKED; SEVERE COMBINED IMMUNODEFICIENCY, X-LINKED, T CELL-NEGATIVE, B CELL-POSITIVE, NK CELL-NEGATIVE; T-B+ severe combined immunodeficiency due to gamma chain deficiency; X-Linked Combined Immunodeficiency Diseases. Identifiers: Orphanet 276, MedGen C6022468, MONDO:0010315, OMIM 300400. Disease mechanism: loss of function.

Allele frequency attached by ClinVar (database versions not stated): gnomAD 0.00006 and 0.00007; TOPMed 0.00006; ExAC 0.00012.

Submissions (3):

Labcorp Genetics (formerly Invitae), Labcorp
Classification: Benign for X-linked severe combined immunodeficiency. Last evaluated: 2026-01-16. Review status: criteria provided, single submitter. Criteria: Invitae Variant Classification Sherloc (09022015). Collection method: clinical testing. Allele origin: germline.

Blueprint Genetics
Classification: Likely benign. Last evaluated: 2024-03-18. Review status: criteria provided, single submitter. Criteria: ACMG Guidelines, 2015. Collection method: clinical testing. Allele origin: germline.

Illumina Laboratory Services, Illumina
Classification: Benign for X-linked severe combined immunodeficiency. Last evaluated: 2018-01-12. Review status: criteria provided, single submitter. Criteria: ICSL Variant Classification Criteria 13 December 2019. Collection method: clinical testing. Allele origin: germline.
Comment: This variant was observed in the ICSL laboratory as part of a predisposition screen in an ostensibly healthy population. It had not been previously curated by ICSL or reported in the Human Gene Mutation Database (HGMD: prior to June 1st, 2018), and was therefore a candidate for classification through an automated scoring system. Utilizing variant allele frequency, disease prevalence and penetrance estimates, and inheritance mode, an automated score was calculated to assess if this variant is too frequent to cause the disease. Based on the score and internal cut-off values, a variant classified as benign is not then subjected to further curation. The score for this variant resulted in a classification of benign for this disease.

NM_000206.3(IL2RG):c.92A>G (p.Asn31Ser)

Genes: IL2RG (interleukin 2 receptor subunit gamma; minus strand), LOC126863274 (MED14-independent group 3 enhancer GRCh37_chrX:70330888-70332087; plus strand). Cytogenetic location: Xq13.1.
Variant type: single nucleotide variant.
Coding change: c.92A>G on transcript NM_000206.3 (MANE Select); coding-DNA position 92, A replaced by G.
Protein change: p.Asn31Ser; replaces asparagine 31 with serine.
Molecular consequence: missense variant.
Genome position (GRCh38, 1-based): chrX:71,111,448, T>C on the plus strand (A>G on the coding strand, the complement: IL2RG is on the minus strand). VCF-style: chrX-71111448-T-C. GRCh37 (hg19) VCF-style: chrX-70331298-T-C.
Other names: short protein forms N31S.
Identifiers: ClinVar variation 368621 (VCV000368621.16), dbSNP rs749977756, ClinGen allele CA10443948.